The following is an entry in ClinVar:

NM_000038.6(APC):c.1440A>T (p.Gln480His)

Gene: APC (APC regulator of Wnt signaling pathway; plus strand). Cytogenetic location: 5q22.2.
Variant type: single nucleotide variant.
Coding change: c.1440A>T on transcript NM_000038.6 (MANE Select); coding-DNA position 1440, A replaced by T.
Protein change: p.Gln480His; replaces glutamine 480 with histidine.
Molecular consequence: missense variant.
Genome position (GRCh38, 1-based): chr5:112,827,139, A>T. VCF-style: chr5-112827139-A-T. GRCh37 (hg19) VCF-style: chr5-112162836-A-T.
Other names: c.1440A>T, p.Gln480His (NM_001127510.3, NM_001354895.2); c.1386A>T, p.Gln462His (NM_001127511.3); c.1494A>T, p.Gln498His (NM_001354896.2); c.1470A>T, p.Gln490His (NM_001354897.2); c.1365A>T, p.Gln455His (NM_001354898.2); c.1356A>T, p.Gln452His (NM_001354899.2); c.1317A>T, p.Gln439His (NM_001354900.2); c.1263A>T, p.Gln421His (NM_001354901.2); and 5 more; short protein forms Q462H, Q480H, Q197H, Q320H, Q389H, Q452H, Q498H, Q354H.
Identifiers: ClinVar variation 216150 (VCV000216150.18), dbSNP rs863224537, ClinGen allele CA338112.

ClinVar aggregate classification (germline): Uncertain significance. Review status: criteria provided, multiple submitters, no conflicts (2 of 4 stars). 6 submissions from 6 submitters: Uncertain significance (6). Last evaluated 2026-03-31.

Conditions:
APC-related disorder. Also called: APC-related condition.
Classic or attenuated familial adenomatous polyposis. Identifiers: MedGen CN372698, MONDO:0021057.
Hereditary cancer-predisposing syndrome. Also called: Neoplastic Syndromes, Hereditary; Tumor predisposition; Hereditary Cancer Syndrome; Hereditary neoplastic syndrome. Identifiers: Orphanet 140162, MedGen C0027672, MeSH D009386, MONDO:0015356.
Familial adenomatous polyposis 1 (FAP1). Also called: FAMILIAL ADENOMATOUS POLYPOSIS 1, ATTENUATED; POLYPOSIS, ADENOMATOUS INTESTINAL. Identifiers: MedGen C2713442, MONDO:0021056, OMIM 175100. Disease mechanism: loss of function.

gnomAD v4.1: 1 of 1,613,628 alleles (0.000062%); highest among the groups gnomAD compares: African/African-American, 0.0013%; no homozygotes.

Submissions (6):

PreventionGenetics, part of Exact Sciences
Classification: Uncertain significance for APC-related condition. Last evaluated: 2026-03-31. Review status: criteria provided, single submitter. Criteria: ACMG Guidelines, 2015. Collection method: clinical testing. Allele origin: germline.
Comment: The APC c.1440A>T variant is predicted to result in the amino acid substitution p.Gln480His. To our knowledge, this variant has not been reported in the literature or in a large population database (gnomAD), indicating this variant is rare. This variant is classified as uncertain in ClinVar (Variation ID: 216150). At this time, the clinical significance of this variant is uncertain due to the absence of conclusive functional and genetic evidence.

Quest Diagnostics Nichols Institute San Juan Capistrano
Classification: Uncertain significance. Last evaluated: 2025-09-15. Review status: criteria provided, single submitter. Criteria: Quest Diagnostics criteria. Collection method: clinical testing. Allele origin: unknown.
Comment: The APC c.1440A>T (p.Gln480His) variant has not been reported in individuals with APC-related conditions in the published literature. The frequency of this variant in the general population (Genome Aggregation Database) is uninformative in the assessment of its pathogenicity. Analysis of this variant using bioinformatics tools for the prediction of the effect of amino acid changes on protein structure and function yielded conflicting predictions that this variant is deleterious or benign. Based on the available information, we are unable to determine the clinical significance of this variant.

Labcorp Genetics (formerly Invitae), Labcorp
Classification: Uncertain significance for Familial adenomatous polyposis 1. Last evaluated: 2025-02-27. Review status: criteria provided, single submitter. Criteria: Invitae Variant Classification Sherloc (09022015). Collection method: clinical testing. Allele origin: germline.
Comment: This sequence change replaces glutamine, which is neutral and polar, with histidine, which is basic and polar, at codon 480 of the APC protein (p.Gln480His). This variant is not present in population databases (gnomAD no frequency). This variant has not been reported in the literature in individuals affected with APC-related conditions. ClinVar contains an entry for this variant (Variation ID: 216150). Invitae Evidence Modeling of protein sequence and biophysical properties (such as structural, functional, and spatial information, amino acid conservation, physicochemical variation, residue mobility, and thermodynamic stability) indicates that this missense variant is not expected to disrupt APC protein function with a negative predictive value of 95%. In summary, the available evidence is currently insufficient to determine the role of this variant in disease. Therefore, it has been classified as a Variant of Uncertain Significance.

Ambry Genetics
Classification: Uncertain significance for Hereditary cancer-predisposing syndrome. Last evaluated: 2024-10-17. Review status: criteria provided, single submitter. Criteria: Ambry Variant Classification Scheme 2023. Collection method: clinical testing. Allele origin: germline.
Comment: The p.Q480H variant (also known as c.1440A>T), located in coding exon 11 of the APC gene, results from an A to T substitution at nucleotide position 1440. The glutamine at codon 480 is replaced by histidine, an amino acid with highly similar properties. This amino acid position is highly conserved in available vertebrate species. In addition, in silico predictors for this gene do not accurately predict pathogenicity. Missense alterations in APC are not a common cause of disease (Spier I et al. Genet Med. 2024 Feb;26(2):100992). Based on the available evidence, the clinical significance of this variant remains unclear.

All of Us Research Program, National Institutes of Health
Classification: Uncertain significance for Classic or attenuated familial adenomatous polyposis. Last evaluated: 2024-05-14. Review status: criteria provided, single submitter. Criteria: ACMG Guidelines, 2015. Collection method: clinical testing. Allele origin: germline. Inheritance: Autosomal dominant inheritance. Observed: 1 variant allele, 1 heterozygote.
Comment: This missense variant replaces glutamine with histidine at codon 480 of the APC protein. Computational prediction suggests that this variant may not impact protein structure and function (internally defined REVEL score threshold <= 0.5, PMID: 27666373). To our knowledge, functional studies have not been reported for this variant. This variant has not been reported in individuals affected with APC-related disorders in the literature. This variant has not been identified in the general population by the Genome Aggregation Database (gnomAD). The available evidence is insufficient to determine the role of this variant in disease conclusively. Therefore, this variant is classified as a Variant of Uncertain Significance.

This study involves interpretation of variants in research participants for the purpose of population health screening. Participant phenotype was not available at the time of variant classification. Additional details can be found in publication PMID: 35346344, PMCID: PMC8962531

Women's Health and Genetics/Laboratory Corporation of America, LabCorp
Classification: Uncertain significance. Last evaluated: 2017-12-11. Review status: criteria provided, single submitter. Criteria: LabCorp Variant Classification Summary - May 2015. Collection method: clinical testing. Allele origin: germline.
Comment: Variant summary: The APC c.1440A>T (p.Gln480His) variant involves the alteration of a non-conserved nucleotide and is predicted to be benign by 3/4 in silico tools (SNPsandGO not captured due to low reliability index). This variant is absent in 245924 control chromosomes (gnomAD). One clinical laboratory in ClinVar and a reputable database (UMD) have classified this variant as uncertain significance. The variant of interest has not, to our knowledge, been reported in affected individuals via publications, nor has it been evaluated for functional impact by in vivo/vitro studies. Because of the absence of clinical information and the lack of functional studies, the variant is classified as a variant of uncertain significance (VUS) until additional information becomes available.